The following is an entry in ClinVar:

ClinVar aggregate classification (germline): Uncertain significance (1 of 4 stars; one submission).

Submission:

Labcorp Genetics (formerly Invitae), Labcorp
Classification: Uncertain significance. Last evaluated: 2025-12-01. Review status: criteria provided, single submitter. Criteria: Invitae Variant Classification Sherloc (09022015). Collection method: clinical testing. Allele origin: germline.
Comment: This sequence change replaces methionine, which is neutral and non-polar, with valine, which is neutral and non-polar, at codon 1087 of the TRRAP protein (p.Met1087Val). This variant is present in population databases (rs782150897, gnomAD 0.0009%). This variant has not been reported in the literature in individuals affected with TRRAP-related conditions. Invitae Evidence Modeling of protein sequence and biophysical properties (such as structural, functional, and spatial information, amino acid conservation, physicochemical variation, residue mobility, and thermodynamic stability) indicates that this missense variant is not expected to disrupt TRRAP protein function with a negative predictive value of 80%. In summary, the available evidence is currently insufficient to determine the role of this variant in disease. Therefore, it has been classified as a Variant of Uncertain Significance.

NM_001375524.1(TRRAP):c.3259A>G (p.Met1087Val)

Gene: TRRAP (transformation/transcription domain associated protein; plus strand). Cytogenetic location: 7q22.1.
Variant type: single nucleotide variant.
Coding change: c.3259A>G on transcript NM_001375524.1 (MANE Select); coding-DNA position 3259, A replaced by G.
Protein change: p.Met1087Val; replaces methionine 1087 with valine.
Molecular consequence: missense variant.
Genome position (GRCh38, 1-based): chr7:98,930,072, A>G. VCF-style: chr7-98930072-A-G. GRCh37 (hg19) VCF-style: chr7-98527695-A-G.
Other names: c.3259A>G, p.Met1087Val (NM_001244580.2, NM_003496.4); short protein forms M1087V.
Identifiers: ClinVar variation 4765450 (VCV004765450.1).